The following is an entry in ClinVar:

ClinVar aggregate classification (germline): Likely pathogenic (1 of 4 stars; one submission).

Conditions:
Hereditary breast ovarian cancer syndrome. Also called: Hereditary breast and ovarian cancer syndrome; BRCA1- and BRCA2-Associated Hereditary Breast and Ovarian Cancer; Hereditary breast and ovarian cancer syndrome (HBOC); Hereditary breast and/or ovarian cancer syndrome; Hereditary breast and ovarian cancer; Breast and ovarian cancer. Identifiers: Orphanet 145, MedGen C0677776, MeSH D061325, MONDO:0003582. Disease mechanism: loss of function.

Submission:

Labcorp Genetics (formerly Invitae), Labcorp
Classification: Likely pathogenic for Hereditary breast ovarian cancer syndrome. Last evaluated: 2025-03-27. Review status: criteria provided, single submitter. Criteria: Invitae Variant Classification Sherloc (09022015). Collection method: clinical testing. Allele origin: germline.
Comment: This sequence change replaces histidine, which is basic and polar, with proline, which is neutral and non-polar, at codon 2623 of the BRCA2 protein (p.His2623Pro). This variant is not present in population databases (gnomAD no frequency). This variant has not been reported in the literature in individuals affected with BRCA2-related conditions. ClinVar contains an entry for this variant (Variation ID: 2130148). Invitae Evidence Modeling of protein sequence and biophysical properties (such as structural, functional, and spatial information, amino acid conservation, physicochemical variation, residue mobility, and thermodynamic stability) has been performed for this missense variant. However, the output from this modeling did not meet the statistical confidence thresholds required to predict the impact of this variant on BRCA2 protein function. RNA analysis performed to evaluate the impact of this missense change on mRNA splicing indicates it does not significantly alter splicing (internal data). This variant disrupts the p.His2623 amino acid residue in BRCA2. Other variant(s) that disrupt this residue have been determined to be pathogenic (PMID: 26023681, 29394989, 32444794, 33609447). This suggests that this residue is clinically significant, and that variants that disrupt this residue are likely to be disease-causing. In summary, the currently available evidence indicates that the variant is pathogenic, but additional data are needed to prove that conclusively. Therefore, this variant has been classified as Likely Pathogenic.

Literature cited by the submitters: PubMed 26023681; PubMed 29394989; PubMed 32444794; PubMed 33609447.

NM_000059.4(BRCA2):c.7868A>C (p.His2623Pro)

Gene: BRCA2 (BRCA2 DNA repair associated; plus strand). Cytogenetic location: 13q13.1.
Variant type: single nucleotide variant.
Coding change: c.7868A>C on transcript NM_000059.4 (MANE Select); coding-DNA position 7868, A replaced by C.
Protein change: p.His2623Pro; replaces histidine 2623 with proline.
Molecular consequence: missense variant.
Genome position (GRCh38, 1-based): chr13:32,362,585, A>C. VCF-style: chr13-32362585-A-C. GRCh37 (hg19) VCF-style: chr13-32936722-A-C.
Other names: c.7772A>C, p.His2591Pro (NM_001406719.1); c.7868A>C, p.His2623Pro (NM_001406720.1); c.2936A>C, p.His979Pro (NM_001406721.1); c.1451A>C, p.His484Pro (NM_001406722.1); short protein forms H484P, H979P, H2623P, H2591P.
Identifiers: ClinVar variation 2130148 (VCV002130148.4), dbSNP rs80359012, ClinGen allele CA387747086.